The following is an entry in ClinVar:

ClinVar aggregate classification (germline): Pathogenic (1 of 4 stars; one submission).

Submission:

Labcorp Genetics (formerly Invitae), Labcorp
Classification: Pathogenic. Last evaluated: 2021-09-29. Review status: criteria provided, single submitter. Criteria: Invitae Variant Classification Sherloc (09022015). Collection method: clinical testing. Allele origin: germline.
Comment: For these reasons, this variant has been classified as Pathogenic. This variant disrupts the triple helix domain of COL7A1. Glycine residues within the Gly-Xaa-Yaa repeats of the triple helix domain are required for the structure and stability of fibrillar collagens (PMID: 7695699, 8218237, 19344236), and variants at these glycine residues in COL7A1 are more frequently observed in individuals with disease than in the general population (PMID: 22058051). However, the clinical significance of this observation remains uncertain since only a limited number of affected individuals have been described to date. Algorithms developed to predict the effect of sequence changes on RNA splicing suggest that this variant may disrupt the consensus splice site. This variant has not been reported in the literature in individuals affected with COL7A1-related conditions. This variant is not present in population databases (ExAC no frequency). This variant results in the deletion of part of exon 104 (c.7759-14_7771delinsCCC) of the COL7A1 gene. It is expected to disrupt splicing. Variants that disrupt the donor or acceptor splice site typically lead to a loss of protein function (PMID: 16199547), and loss-of-function variants in COL7A1 are known to be disease-causing for autosomal recessive dystrophic epidermolysis bullosa (PMID: 16971478). However, certain variants affecting donor or acceptor splice sites in the triple helical domain of COL7A1 are expected to result in in-frame exon skipping and have been reported to cause autosomal dominant dystrophic epidermolysis bullosa (PMID: 31670143).

Literature cited by the submitters: PubMed 7695699; PubMed 8218237; PubMed 19344236; PubMed 22058051; PubMed 16199547; PubMed 16971478; PubMed 31670143.

NM_000094.4(COL7A1):c.7759-14_7771delinsCCC

Gene: COL7A1 (collagen type VII alpha 1 chain; minus strand). Cytogenetic location: 3p21.31.
Variant type: Indel.
Coding change: c.7759-14_7771delinsCCC on transcript NM_000094.4 (MANE Select); 14 bases into the intron before coding-DNA position 7759 through coding-DNA position 7771, TGTGTTTCTCACAGGGTCAACCTGGTG replaced by CCC.
Molecular consequence: splice acceptor variant.
Genome position (GRCh38, 1-based): chr3:48,568,522-48,568,548, CACCAGGTTGACCCTGTGAGAAACACA replaced by GGG on the plus strand (TGTGTTTCTCACAGGGTCAACCTGGTG replaced by CCC on the coding strand, the reverse complement: COL7A1 is on the minus strand). VCF-style: chr3-48568522-CACCAGGTTGACCCTGTGAGAAACACA-GGG. GRCh37 (hg19) VCF-style: chr3-48605955-CACCAGGTTGACCCTGTGAGAAACACA-GGG.
Identifiers: ClinVar variation 1457699 (VCV001457699.6), dbSNP rs2107638542, ClinGen allele CA2573137114.
Genomic context (GRCh38, chr3:48,568,522, plus strand): 5'-GGGACAGGGGGCCCCTGTGGGAGCAGGGGCATCTTACCGGGTCACCAGGGATCCCTGCTG[CACCAGGTTGACCCTGTGAGAAACACA>GGG]GATGGGGGAGCCCTTCAGTGGGACTGTCCCCAACACTGGCCCATCCGCTGCATGTGTGGC-3'